The following is an entry in ClinVar:

NM_007194.4(CHEK2):c.768dup (p.Ala257fs)

Gene: CHEK2 (checkpoint kinase 2; minus strand). Cytogenetic location: 22q12.1.
Variant type: Duplication.
Coding change: c.768dup on transcript NM_007194.4 (MANE Select); coding-DNA position 768, one base duplicated (T; older notation c.768dupT).
Protein change: p.Ala257fs; shifts the reading frame from alanine 257.
Molecular consequence: frameshift variant.
Genome position (GRCh38, 1-based): chr22:28,711,933, A duplicated on the plus strand (T on the coding strand, the reverse complement: CHEK2 is on the minus strand); the first of 3 consecutive A bases (chr22:28,711,933-28,711,935); duplicating any one gives the same sequence. VCF-style (leftmost placement, unchanged base first): chr22-28711932-C-CA. GRCh37 (hg19) VCF-style: chr22-29107920-C-CA.
Other names: c.895dup, p.Ala300Cysfs (NM_001005735.3); c.103dup, p.Ala36Cysfs (NM_001257387.3); c.565dup, p.Ala190Cysfs (NM_001349956.3); c.766dup, p.Ala257Cysfs (NM_145862.3); short protein forms A190fs, A257fs, A300fs, A36fs.
Identifiers: ClinVar variation 1074011 (VCV001074011.8), dbSNP rs2145949535, ClinGen allele CA2499226080.

ClinVar aggregate classification (germline): Pathogenic (1 of 4 stars; one submission).

Conditions:
Familial cancer of breast. Also called: Hereditary breast cancer; hereditary breast carcinoma; BREAST CANCER, FAMILIAL. Identifiers: Orphanet 227535, MedGen C0346153, MONDO:0016419, OMIM 114480. Disease mechanism: loss of function.

Submission:

Labcorp Genetics (formerly Invitae), Labcorp
Classification: Pathogenic for Familial cancer of breast. Last evaluated: 2024-01-28. Review status: criteria provided, single submitter. Criteria: Invitae Variant Classification Sherloc (09022015). Collection method: clinical testing. Allele origin: germline.
Comment: This sequence change creates a premature translational stop signal (p.Ala257Cysfs*15) in the CHEK2 gene. It is expected to result in an absent or disrupted protein product. Loss-of-function variants in CHEK2 are known to be pathogenic (PMID: 21876083, 24713400). This variant is not present in population databases (gnomAD no frequency). This variant has not been reported in the literature in individuals affected with CHEK2-related conditions. ClinVar contains an entry for this variant (Variation ID: 1074011). For these reasons, this variant has been classified as Pathogenic.

Literature cited by the submitters: PubMed 21876083; PubMed 24713400.